The following is an entry in ClinVar:

ClinVar aggregate classification (germline): Uncertain significance (1 of 4 stars; one submission).

Conditions:
Usher syndrome type 3B. Also called: USHER SYNDROME, TYPE IIIB. Identifiers: MedGen C3281066, MONDO:0013788, OMIM 614504.

Allele frequency attached by ClinVar (database versions not stated): gnomAD exomes below 0.00001; ExAC 0.00001.
gnomAD v4.1: 2 of 1,614,050 alleles (0.00012%); highest among the groups gnomAD compares: Non-Finnish European, 0.00017%; no homozygotes.

Submission:

Labcorp Genetics (formerly Invitae), Labcorp
Classification: Uncertain significance for Usher syndrome type 3B. Last evaluated: 2022-03-22. Review status: criteria provided, single submitter. Criteria: Invitae Variant Classification Sherloc (09022015). Collection method: clinical testing. Allele origin: germline.
Comment: In summary, the available evidence is currently insufficient to determine the role of this variant in disease. Therefore, it has been classified as a Variant of Uncertain Significance. Algorithms developed to predict the effect of missense changes on protein structure and function are either unavailable or do not agree on the potential impact of this missense change (SIFT: "Tolerated"; PolyPhen-2: "Probably Damaging"; Align-GVGD: "Class C0"). This variant has not been reported in the literature in individuals affected with HARS-related conditions. This variant is present in population databases (rs753448470, gnomAD 0.0009%). This sequence change replaces alanine, which is neutral and non-polar, with valine, which is neutral and non-polar, at codon 162 of the HARS protein (p.Ala162Val).

NM_002109.6(HARS1):c.485C>T (p.Ala162Val)

Gene: HARS1 (histidyl-tRNA synthetase 1; minus strand). Cytogenetic location: 5q31.3.
Variant type: single nucleotide variant.
Coding change: c.485C>T on transcript NM_002109.6 (MANE Select); coding-DNA position 485, C replaced by T.
Protein change: p.Ala162Val; replaces alanine 162 with valine.
Molecular consequence: missense variant. On other transcripts: intron variant (4).
Genome position (GRCh38, 1-based): chr5:140,679,039, G>A on the plus strand (C>T on the coding strand, the complement: HARS1 is on the minus strand). VCF-style: chr5-140679039-G-A. GRCh37 (hg19) VCF-style: chr5-140058624-G-A.
Other names: c.365C>T, p.Ala122Val (NM_001258040.3); c.398C>T, p.Ala133Val (NM_001289094.2); c.181-1024C>T (NM_001289093.2); c.342+23C>T (NM_001258042.3); c.301-1024C>T (NM_001289092.2); c.462+23C>T (NM_001258041.3); short protein forms A162V, A122V, A133V.
Identifiers: ClinVar variation 1953626 (VCV001953626.5), dbSNP rs753448470, ClinGen allele CA3444101.